The following is an entry in ClinVar:

NM_000350.3(ABCA4):c.3781A>G (p.Ser1261Gly)

Genes: ABCA4 (ATP binding cassette subfamily A member 4; minus strand), LOC126805794 (BRD4-independent group 4 enhancer GRCh37_chr1:94502188-94503387; plus strand). Cytogenetic location: 1p22.1.
Variant type: single nucleotide variant.
Coding change: c.3781A>G on transcript NM_000350.3 (MANE Select); coding-DNA position 3781, A replaced by G.
Protein change: p.Ser1261Gly; replaces serine 1261 with glycine.
Molecular consequence: missense variant.
Genome position (GRCh38, 1-based): chr1:94,037,177, T>C on the plus strand (A>G on the coding strand, the complement: ABCA4 is on the minus strand). VCF-style: chr1-94037177-T-C. GRCh37 (hg19) VCF-style: chr1-94502733-T-C.
Other names: c.3559A>G, p.Ser1187Gly (NM_001425324.1); short protein forms S1187G, S1261G.
Identifiers: ClinVar variation 4985655 (VCV004985655.1).

ClinVar aggregate classification (germline): Uncertain significance (1 of 4 stars; one submission).

Conditions:
ABCA4-related disorder. Also called: ABCA4-related condition; ABCA4-related disorders. Identifiers: MedGen CN239167.

gnomAD v4.1: 1 of 1,614,230 alleles (0.000062%); highest among the groups gnomAD compares: Non-Finnish European, 0.000085%; no homozygotes.

Submission:

PreventionGenetics, part of Exact Sciences
Classification: Uncertain significance for ABCA4-related condition. Last evaluated: 2026-06-17. Review status: criteria provided, single submitter. Criteria: ACMG Guidelines, 2015. Collection method: clinical testing. Allele origin: germline.
Comment: The ABCA4 c.3781A>G variant is predicted to result in the amino acid substitution p.Ser1261Gly. To our knowledge, this variant has not been reported in the literature or in a large population database (gnomAD), indicating this variant is rare. At this time, the clinical significance of this variant is uncertain due to the absence of conclusive functional and genetic evidence.